The following is an entry in ClinVar:

ClinVar aggregate classification (germline): Uncertain significance (1 of 4 stars; one submission).

Conditions:
Familial thoracic aortic aneurysm and aortic dissection (TAAD). Also called: Thoracic aortic aneurysms and dissections. Identifiers: Orphanet 91387, MedGen C4707243, MONDO:0019625.

Submission:

Ambry Genetics
Classification: Uncertain significance for Familial thoracic aortic aneurysm and aortic dissection. Last evaluated: 2025-02-06. Review status: criteria provided, single submitter. Criteria: Ambry Variant Classification Scheme 2023. Collection method: clinical testing. Allele origin: germline.
Comment: The p.I946M variant (also known as c.2838C>G), located in coding exon 18 of the NOTCH1 gene, results from a C to G substitution at nucleotide position 2838. The isoleucine at codon 946 is replaced by methionine, an amino acid with highly similar properties. This amino acid position is conserved. In addition, the in silico prediction for this alteration is inconclusive. Based on the available evidence, the clinical significance of this variant remains unclear.

NM_017617.5(NOTCH1):c.2838C>G (p.Ile946Met)

Gene: NOTCH1 (notch receptor 1; minus strand). Cytogenetic location: 9q34.3.
Variant type: single nucleotide variant.
Coding change: c.2838C>G on transcript NM_017617.5 (MANE Select); coding-DNA position 2838, C replaced by G.
Protein change: p.Ile946Met; replaces isoleucine 946 with methionine.
Molecular consequence: missense variant.
Genome position (GRCh38, 1-based): chr9:136,509,864, G>C on the plus strand (C>G on the coding strand, the complement: NOTCH1 is on the minus strand). VCF-style: chr9-136509864-G-C. GRCh37 (hg19) VCF-style: chr9-139404316-G-C.
Other names: short protein forms I946M.
Identifiers: ClinVar variation 3880486 (VCV003880486.1).